The following is an entry in ClinVar:

ClinVar aggregate classification (germline): Uncertain significance. Review status: criteria provided, multiple submitters, no conflicts (2 of 4 stars). 2 submissions from 2 submitters: Uncertain significance (2). Last evaluated 2025-09-30.

Conditions:
Atypical hemolytic-uremic syndrome. Identifiers: Orphanet 2134, MedGen C2931788, MONDO:0016244.

Submissions (2):

Genomenon, Inc
Classification: Uncertain significance for Atypical hemolytic-uremic syndrome. Last evaluated: 2025-09-30. Review status: criteria provided, single submitter. Criteria: Genomenon Sequence Variant Interpretation Standards. Collection method: curation. Allele origin: germline. Affected: no.
Comment: C3 p.Ile1108_Lys1111del (c.3322_3333del) is an in-frame deletion variant that results in the deletion of multiple amino acids, from Isoleucine at position 1108 to Lysine at position 1111. To our knowledge, this variant has not been reported in patients affected with C3-related disorders in the expected inheritance pattern in the published literature (PMID:34248927). It is absent or not present at a significant frequency in gnomAD. In conclusion, we classify C3 p.Ile1108_Lys1111del (c.3322_3333del) as a variant of unknown significance.

Labcorp Genetics (formerly Invitae), Labcorp
Classification: Uncertain significance. Last evaluated: 2025-07-23. Review status: criteria provided, single submitter. Criteria: Invitae Variant Classification Sherloc (09022015). Collection method: clinical testing. Allele origin: germline.
Comment: This variant, c.3322_3333del, results in the deletion of 4 amino acid(s) of the C3 protein (p.Ile1108_Lys1111del), but otherwise preserves the integrity of the reading frame. This variant is not present in population databases (gnomAD no frequency). This variant has been observed in individual(s) with C3-related conditions (PMID: 34248927). In summary, the available evidence is currently insufficient to determine the role of this variant in disease. Therefore, it has been classified as a Variant of Uncertain Significance.

Literature cited by the submitters: PubMed 34248927 (cited by Genomenon, Inc and Labcorp Genetics (formerly Invitae), Labcorp).

NM_000064.4(C3):c.3322_3333del (p.Ile1108_Lys1111del)

Gene: C3 (complement C3; minus strand). Cytogenetic location: 19p13.3.
Variant type: Deletion.
Coding change: c.3322_3333del on transcript NM_000064.4 (MANE Select); coding-DNA positions 3322 to 3333, 12 bases deleted (ATCCTGGAGAAG).
Protein change: p.Ile1108_Lys1111del.
Genome position (GRCh38, 1-based): chr19:6,692,981-6,692,992, CTTCTCCAGGAT deleted on the plus strand (ATCCTGGAGAAG on the coding strand, the reverse complement: C3 is on the minus strand); deleting any 12 consecutive bases within chr19:6,692,981-6,692,993 gives the same sequence; the c. name uses the placement nearest the transcript's 3' end. VCF-style (leftmost placement, unchanged base first): chr19-6692980-GCTTCTCCAGGAT-G. GRCh37 (hg19) VCF-style: chr19-6692991-GCTTCTCCAGGAT-G.
Identifiers: ClinVar variation 4280273 (VCV004280273.2).
Genomic context (GRCh38, chr19:6,692,980, plus strand): 5'-TTACAATCATTTCTTGGTGTATCACGGGCGCATCCTCCTGGAAGACCCCGTCGGGCTTCT[GCTTCTCCAGGAT>G]CAGCCATTTAACAGCCCCGCAGAGGACTTGGGAGTCGATGGCGATGAGGTTGACAGCCAG-3'